The following is an entry in ClinVar:

ClinVar aggregate classification (germline): Pathogenic (1 of 4 stars; one submission).

Conditions:
Ehlers-Danlos syndrome, dermatosparaxis type. Also called: Dermatosparaxis; EDS VIIC; Ehlers-Danlos syndrome, type VII, autosomal recessive. Identifiers: Orphanet 1901, MedGen C2700425, MONDO:0009161, OMIM 225410.

Submission:

Labcorp Genetics (formerly Invitae), Labcorp
Classification: Pathogenic for Ehlers-Danlos syndrome, dermatosparaxis type. Last evaluated: 2024-02-19. Review status: criteria provided, single submitter. Criteria: Invitae Variant Classification Sherloc (09022015). Collection method: clinical testing. Allele origin: germline.
Comment: This sequence change creates a premature translational stop signal (p.His675Profs*13) in the ADAMTS2 gene. It is expected to result in an absent or disrupted protein product. Loss-of-function variants in ADAMTS2 are known to be pathogenic (PMID: 10417273). This variant is not present in population databases (gnomAD no frequency). This variant has not been reported in the literature in individuals affected with ADAMTS2-related conditions. For these reasons, this variant has been classified as Pathogenic.

Literature cited by the submitters: PubMed 10417273.

NM_014244.5(ADAMTS2):c.2024_2061del (p.His675fs)

Gene: ADAMTS2 (ADAM metallopeptidase with thrombospondin type 1 motif 2; minus strand). Cytogenetic location: 5q35.3.
Variant type: Deletion.
Coding change: c.2024_2061del on transcript NM_014244.5 (MANE Select); coding-DNA positions 2024 to 2061, 38 bases deleted.
Protein change: p.His675fs; shifts the reading frame from histidine 675.
Molecular consequence: frameshift variant.
Genome position (GRCh38, 1-based): chr5:179,135,933-179,135,970, 38 bases deleted; deleting any 38 consecutive bases within chr5:179,135,933-179,135,972 gives the same sequence; the c. name uses the placement nearest the transcript's 3' end. GRCh37 (hg19): chr5:178,562,936-178,562,973.
Other names: short protein forms H675fs.
Identifiers: ClinVar variation 3641996 (VCV003641996.2).